The following is an entry in ClinVar:

ClinVar aggregate classification (germline): Uncertain significance. Review status: criteria provided, multiple submitters, no conflicts (2 of 4 stars). 3 submissions from 3 submitters: Uncertain significance (3). Last evaluated 2024-05-26.

Conditions:
Cardiovascular phenotype. Identifiers: MedGen CN230736.
Catecholaminergic polymorphic ventricular tachycardia 1. Also called: RYR2-Related Catecholaminergic Polymorphic Ventricular Tachycardia; VENTRICULAR TACHYCARDIA, CATECHOLAMINERGIC POLYMORPHIC, 1, WITH OR WITHOUT ATRIAL DYSFUNCTION AND/OR DILATED CARDIOMYOPATHY; VENTRICULAR TACHYCARDIA, STRESS-INDUCED POLYMORPHIC 1. Identifiers: Orphanet 3286, MedGen C1631597, MONDO:0011484, OMIM 604772.

Allele frequency attached by ClinVar (database versions not stated): gnomAD 0.00001.
gnomAD v4.1: 1 of 1,601,820 alleles (0.000062%); highest among the groups gnomAD compares: Admixed American, 0.0017%; no homozygotes.

Submissions (3):

Labcorp Genetics (formerly Invitae), Labcorp
Classification: Uncertain significance for Catecholaminergic polymorphic ventricular tachycardia 1. Last evaluated: 2024-05-26. Review status: criteria provided, single submitter. Criteria: Invitae Variant Classification Sherloc (09022015). Collection method: clinical testing. Allele origin: germline.
Comment: This sequence change replaces phenylalanine, which is neutral and non-polar, with leucine, which is neutral and non-polar, at codon 3496 of the RYR2 protein (p.Phe3496Leu). This variant is not present in population databases (gnomAD no frequency). This missense change has been observed in individual(s) with catecholaminergic polymorphic ventricular tachycardia with a second RYR2 variant on the same chromosome (PMID: 30403697). ClinVar contains an entry for this variant (Variation ID: 201300). Advanced modeling of protein sequence and biophysical properties (such as structural, functional, and spatial information, amino acid conservation, physicochemical variation, residue mobility, and thermodynamic stability) performed at Invitae indicates that this missense variant is not expected to disrupt RYR2 protein function with a negative predictive value of 95%. In summary, the available evidence is currently insufficient to determine the role of this variant in disease. Therefore, it has been classified as a Variant of Uncertain Significance.

Ambry Genetics
Classification: Uncertain significance for Cardiovascular phenotype. Last evaluated: 2024-02-09. Review status: criteria provided, single submitter. Criteria: Ambry Variant Classification Scheme 2023. Collection method: clinical testing. Allele origin: germline.
Comment: The p.F3496L variant (also known as c.10488T>G), located in coding exon 72 of the RYR2 gene, results from a T to G substitution at nucleotide position 10488. The phenylalanine at codon 3496 is replaced by leucine, an amino acid with highly similar properties. This alteration has been reported in a catecholaminergic polymorphic ventricular tachycardia (CPVT) cohort (Roston TM et al. PLoS One, 2018 Nov;13:e0205925). This amino acid position is well conserved in available vertebrate species. In addition, this alteration is predicted to be tolerated by in silico analysis. Based on the available evidence, the clinical significance of this alteration remains unclear.

GeneDx
Classification: Uncertain significance. Last evaluated: 2013-06-04. Review status: criteria provided, single submitter. Criteria: GeneDx Variant Classification (06012015). Collection method: clinical testing. Allele origin: germline. Affected: yes.
Comment: p.Phe3496Leu (TTT>TTG): c.10488 T>G in exon 72 of the RYR2 gene (NM_001035.2). The Phe3496Leu variant in the RYR2 gene has not been reported as a disease-causing mutation or as a benign polymorphism to our knowledge. Phe3496Leu results in a conservative amino acid substitution of one non-polar amino acid with another at a position that is conserved across species. The Phe3496Leu variant was not observed in approximately 6,000 individuals of European and African American ancestry in the NHLBI Exome Sequencing Project, indicating it is not a common benign variant in these populations. Nevertheless, no mutations in nearby residues have been reported in association with CPVT, indicating this region of the protein may be tolerant of change. Also, in silico analysis predicts Phe3496Leu is benign to the protein structure/function. We cannot definitively determine if Phe3496Leu is disease-causing mutations or a rare benign variants. The variant is found in CPVT panel(s).

Literature cited by the submitters: PubMed 30403697 (cited by Labcorp Genetics (formerly Invitae), Labcorp and Ambry Genetics).

NM_001035.3(RYR2):c.10488T>G (p.Phe3496Leu)

Gene: RYR2 (ryanodine receptor 2; plus strand). Cytogenetic location: 1q43.
Variant type: single nucleotide variant.
Coding change: c.10488T>G on transcript NM_001035.3 (MANE Select); coding-DNA position 10488, T replaced by G.
Protein change: p.Phe3496Leu; replaces phenylalanine 3496 with leucine.
Molecular consequence: missense variant.
Genome position (GRCh38, 1-based): chr1:237,717,362, T>G. VCF-style: chr1-237717362-T-G. GRCh37 (hg19) VCF-style: chr1-237880662-T-G.
Other names: p.F3496L:TTT>TTG; c.10488T>G, p.Phe3496Leu (LRG_402t1); short protein forms F3496L.
Identifiers: ClinVar variation 201300 (VCV000201300.6), dbSNP rs794728768, ClinGen allele CA006634.